The following is an entry in ClinVar:

NM_018192.4(P3H2):c.2014G>A (p.Asp672Asn)

Gene: P3H2 (prolyl 3-hydroxylase 2; minus strand). Cytogenetic location: 3q28.
Variant type: single nucleotide variant.
Coding change: c.2014G>A on transcript NM_018192.4 (MANE Select); coding-DNA position 2014, G replaced by A.
Protein change: p.Asp672Asn; replaces aspartic acid 672 with asparagine.
Molecular consequence: missense variant.
Genome position (GRCh38, 1-based): chr3:189,963,978, C>T on the plus strand (G>A on the coding strand, the complement: P3H2 is on the minus strand). VCF-style: chr3-189963978-C-T. GRCh37 (hg19) VCF-style: chr3-189681767-C-T.
Other names: c.1471G>A, p.Asp491Asn (NM_001134418.2); short protein forms D491N, D672N.
Identifiers: ClinVar variation 1904075 (VCV001904075.4), dbSNP rs1339275479, ClinGen allele CA355751801.

ClinVar aggregate classification (germline): Uncertain significance (1 of 4 stars; one submission).

Allele frequency attached by ClinVar (database versions not stated): gnomAD exomes below 0.00001.
gnomAD v4.1: 1 of 1,614,136 alleles (0.000062%); highest among the groups gnomAD compares: Admixed American, 0.0017%; no homozygotes.

Submission:

Labcorp Genetics (formerly Invitae), Labcorp
Classification: Uncertain significance. Last evaluated: 2022-06-22. Review status: criteria provided, single submitter. Criteria: Invitae Variant Classification Sherloc (09022015). Collection method: clinical testing. Allele origin: germline.
Comment: In summary, the available evidence is currently insufficient to determine the role of this variant in disease. Therefore, it has been classified as a Variant of Uncertain Significance. Algorithms developed to predict the effect of missense changes on protein structure and function output the following: SIFT: "Tolerated"; PolyPhen-2: "Benign"; Align-GVGD: "Class C0". The asparagine amino acid residue is found in multiple mammalian species, which suggests that this missense change does not adversely affect protein function. This variant has not been reported in the literature in individuals affected with P3H2-related conditions. This variant is present in population databases (no rsID available, gnomAD 0.003%). This sequence change replaces aspartic acid, which is acidic and polar, with asparagine, which is neutral and polar, at codon 672 of the P3H2 protein (p.Asp672Asn).